The following is an entry in ClinVar:

ClinVar aggregate classification (germline): Uncertain significance (1 of 4 stars; one submission).

Conditions:
Long QT syndrome (LQTS). Identifiers: MedGen C0023976, MeSH D008133, MONDO:0002442. Disease mechanism: loss of function. Inheritance: Various modes of inheritance.

Submission:

Labcorp Genetics (formerly Invitae), Labcorp
Classification: Uncertain significance for Long QT syndrome. Last evaluated: 2025-09-14. Review status: criteria provided, single submitter. Criteria: Invitae Variant Classification Sherloc (09022015). Collection method: clinical testing. Allele origin: germline.
Comment: This sequence change replaces aspartic acid, which is acidic and polar, with glycine, which is neutral and non-polar, at codon 1711 of the AKAP9 protein (p.Asp1711Gly). This variant is not present in population databases (gnomAD no frequency). This variant has not been reported in the literature in individuals affected with AKAP9-related conditions. An algorithm developed to predict the effect of missense changes on protein structure and function (PolyPhen-2) suggests that this variant is likely to be tolerated. In summary, the available evidence is currently insufficient to determine the role of this variant in disease. Therefore, it has been classified as a Variant of Uncertain Significance.

NM_005751.5(AKAP9):c.5132A>G (p.Asp1711Gly)

Gene: AKAP9 (A-kinase anchoring protein 9; plus strand). Cytogenetic location: 7q21.2.
Variant type: single nucleotide variant.
Coding change: c.5132A>G on transcript NM_005751.5 (MANE Select); coding-DNA position 5132, A replaced by G.
Protein change: p.Asp1711Gly; replaces aspartic acid 1711 with glycine.
Molecular consequence: missense variant.
Genome position (GRCh38, 1-based): chr7:92,042,741, A>G. VCF-style: chr7-92042741-A-G. GRCh37 (hg19) VCF-style: chr7-91672055-A-G.
Other names: c.5132A>G, p.Asp1711Gly (NM_147185.3); short protein forms D1711G.
Identifiers: ClinVar variation 4808165 (VCV004808165.1).